The following is an entry in ClinVar:

NM_012213.3(MLYCD):c.446G>A (p.Gly149Asp)

Gene: MLYCD (malonyl-CoA decarboxylase; plus strand). Cytogenetic location: 16q23.3.
Variant type: single nucleotide variant.
Coding change: c.446G>A on transcript NM_012213.3 (MANE Select); coding-DNA position 446, G replaced by A.
Protein change: p.Gly149Asp; replaces glycine 149 with aspartic acid.
Molecular consequence: missense variant.
Genome position (GRCh38, 1-based): chr16:83,899,590, G>A. VCF-style: chr16-83899590-G-A. GRCh37 (hg19) VCF-style: chr16-83933195-G-A.
Other names: c.446G>A (NM_012213.2); short protein forms G149D.
Identifiers: ClinVar variation 871973 (VCV000871973.44), dbSNP rs773196234, ClinGen allele CA8197235.

ClinVar aggregate classification (germline): Uncertain significance. Review status: criteria provided, multiple submitters, no conflicts (2 of 4 stars). 4 submissions from 4 submitters: Uncertain significance (4). Last evaluated 2024-01-08.

Conditions:
Deficiency of malonyl-CoA decarboxylase. Also called: Malonic aciduria; MCD deficiency. Identifiers: Orphanet 943, MedGen C0342793, MONDO:0009556, OMIM 248360.
Inborn genetic diseases. Identifiers: MedGen C0950123, MeSH D030342.

Allele frequency attached by ClinVar (database versions not stated): gnomAD exomes 0.00006 and 0.00010; gnomAD 0.00007 and 0.00008; TOPMed 0.00007; ExAC 0.00012.

Submissions (4):

Ambry Genetics
Classification: Uncertain significance for Inborn genetic diseases. Last evaluated: 2024-01-08. Review status: criteria provided, single submitter. Criteria: Ambry Variant Classification Scheme 2023. Collection method: clinical testing. Allele origin: germline.

Labcorp Genetics (formerly Invitae), Labcorp
Classification: Uncertain significance for Deficiency of malonyl-CoA decarboxylase. Last evaluated: 2022-06-25. Review status: criteria provided, single submitter. Criteria: Invitae Variant Classification Sherloc (09022015). Collection method: clinical testing. Allele origin: germline.
Comment: This sequence change replaces glycine, which is neutral and non-polar, with aspartic acid, which is acidic and polar, at codon 149 of the MLYCD protein (p.Gly149Asp). This variant is present in population databases (rs773196234, gnomAD 0.02%). This variant has not been reported in the literature in individuals affected with MLYCD-related conditions. ClinVar contains an entry for this variant (Variation ID: 871973). Algorithms developed to predict the effect of missense changes on protein structure and function (SIFT, PolyPhen-2, Align-GVGD) all suggest that this variant is likely to be disruptive. In summary, the available evidence is currently insufficient to determine the role of this variant in disease. Therefore, it has been classified as a Variant of Uncertain Significance.

Fulgent Genetics
Classification: Uncertain significance for Deficiency of malonyl-CoA decarboxylase. Last evaluated: 2021-07-26. Review status: criteria provided, single submitter. Criteria: ACMG Guidelines, 2015. Collection method: clinical testing. Allele origin: unknown.

CeGaT Center for Human Genetics Tuebingen
Classification: Uncertain significance. Last evaluated: 2019-10-01. Review status: criteria provided, single submitter. Criteria: CeGaT Center For Human Genetics Tuebingen Variant Classification Criteria Version 2. Collection method: clinical testing. Allele origin: germline. Affected: yes. Observed: 1 variant allele.